The following is an entry in ClinVar:

NM_001111067.4(ACVR1):c.1250G>A (p.Arg417Gln)

Gene: ACVR1 (activin A receptor type 1; minus strand). Cytogenetic location: 2q24.1.
Variant type: single nucleotide variant.
Coding change: c.1250G>A on transcript NM_001111067.4 (MANE Select); coding-DNA position 1250, G replaced by A.
Protein change: p.Arg417Gln; replaces arginine 417 with glutamine.
Molecular consequence: missense variant.
Genome position (GRCh38, 1-based): chr2:157,760,894, C>T on the plus strand (G>A on the coding strand, the complement: ACVR1 is on the minus strand). VCF-style: chr2-157760894-C-T. GRCh37 (hg19) VCF-style: chr2-158617406-C-T.
Other names: c.1250G>A, p.Arg417Gln (NM_001105.5, NM_001347663.1, NM_001347664.1 and 3 more transcripts); short protein forms R417Q.
Identifiers: ClinVar variation 3142963 (VCV003142963.3), dbSNP rs1366850999, ClinGen allele CA349189300.

ClinVar aggregate classification (germline): Uncertain significance. Review status: criteria provided, multiple submitters, no conflicts (2 of 4 stars). 2 submissions from 2 submitters: Uncertain significance (2). Last evaluated 2025-12-29.

Conditions:
Inborn genetic diseases. Identifiers: MedGen C0950123, MeSH D030342.

Allele frequency attached by ClinVar (database versions not stated): gnomAD 0.00001; TOPMed 0.00001; gnomAD exomes 0.00001.
gnomAD v4.1: 11 of 1,613,944 alleles (0.00068%); highest among the groups gnomAD compares: East Asian, 0.0022%; no homozygotes.

Submissions (2):

Labcorp Genetics (formerly Invitae), Labcorp
Classification: Uncertain significance. Last evaluated: 2025-12-29. Review status: criteria provided, single submitter. Criteria: Invitae Variant Classification Sherloc (09022015). Collection method: clinical testing. Allele origin: germline.
Comment: This sequence change replaces arginine, which is basic and polar, with glutamine, which is neutral and polar, at codon 417 of the ACVR1 protein (p.Arg417Gln). This variant is present in population databases (no rsID available, gnomAD 0.004%). This variant has not been reported in the literature in individuals affected with ACVR1-related conditions. This missense change has been observed in at least one individual who was not affected with ACVR1-related conditions (internal data). ClinVar contains an entry for this variant (Variation ID: 3142963). An algorithm developed to predict the effect of missense changes on protein structure and function (PolyPhen-2) suggests that this variant is likely to be disruptive. In summary, the available evidence is currently insufficient to determine the role of this variant in disease. Therefore, it has been classified as a Variant of Uncertain Significance.

Ambry Genetics
Classification: Uncertain significance for Inborn genetic diseases. Last evaluated: 2023-12-20. Review status: criteria provided, single submitter. Criteria: Ambry Variant Classification Scheme 2023. Collection method: clinical testing. Allele origin: germline.